The following is an entry in ClinVar:

NM_001371986.1(UNC80):c.9074C>T (p.Ala3025Val)

Gene: UNC80 (unc-80 subunit of NALCN channel complex; plus strand). Cytogenetic location: 2q34.
Variant type: single nucleotide variant.
Coding change: c.9074C>T on transcript NM_001371986.1 (MANE Select); coding-DNA position 9074, C replaced by T.
Protein change: p.Ala3025Val; replaces alanine 3025 with valine.
Molecular consequence: missense variant.
Genome position (GRCh38, 1-based): chr2:209,978,664, C>T. VCF-style: chr2-209978664-C-T. GRCh37 (hg19) VCF-style: chr2-210843388-C-T.
Other names: c.8876C>T, p.Ala2959Val (NM_032504.2); c.8861C>T, p.Ala2954Val (NM_182587.4); short protein forms A2954V, A2959V, A3025V.
Identifiers: ClinVar variation 1384806 (VCV001384806.7), dbSNP rs983994189, ClinGen allele CA64659355.
Genomic context (GRCh38, chr2:209,978,664, plus strand): 5'-CCCGCTCTAACACGGGCACGGGCACTGTCTGGGAGCAGGACAGTGAGCCATCCCAGCAGG[C>T]TTCGCAGGACACCCTGAGTCGGACTGATGAGGAAGATGAGGAAAGTAGGTCATTCCAGAG-3'
Protein context (NP_001358915.1, residues 3015-3035): WEQDSEPSQQ[Ala3025Val]SQDTLSRTDE

ClinVar aggregate classification (germline): Uncertain significance. Review status: criteria provided, multiple submitters, no conflicts (2 of 4 stars). 2 submissions from 2 submitters: Uncertain significance (2). Last evaluated 2025-03-31.

Allele frequency attached by ClinVar (database versions not stated): gnomAD 0.00001; gnomAD exomes 0.00001; TOPMed 0.00001.
gnomAD v4.1: 6 of 1,549,536 alleles (0.00039%); highest among the groups gnomAD compares: Non-Finnish European, 0.00052%; no homozygotes.

Submissions (2):

Labcorp Genetics (formerly Invitae), Labcorp
Classification: Uncertain significance. Last evaluated: 2025-03-31. Review status: criteria provided, single submitter. Criteria: Invitae Variant Classification Sherloc (09022015). Collection method: clinical testing. Allele origin: germline.
Comment: This sequence change replaces alanine, which is neutral and non-polar, with valine, which is neutral and non-polar, at codon 2959 of the UNC80 protein (p.Ala2959Val). This variant is not present in population databases (gnomAD no frequency). This variant has not been reported in the literature in individuals affected with UNC80-related conditions. ClinVar contains an entry for this variant (Variation ID: 1384806). Invitae Evidence Modeling of protein sequence and biophysical properties (such as structural, functional, and spatial information, amino acid conservation, physicochemical variation, residue mobility, and thermodynamic stability) indicates that this missense variant is not expected to disrupt UNC80 protein function with a negative predictive value of 80%. In summary, the available evidence is currently insufficient to determine the role of this variant in disease. Therefore, it has been classified as a Variant of Uncertain Significance.

Blueprint Genetics
Classification: Uncertain significance. Last evaluated: 2021-02-01. Review status: criteria provided, single submitter. Criteria: ACMG Guidelines, 2015. Collection method: clinical testing. Allele origin: germline.